The following is an entry in ClinVar:

NM_001244008.2(KIF1A):c.791G>A (p.Arg264His)

Gene: KIF1A (kinesin family member 1A; minus strand). Cytogenetic location: 2q37.3.
Variant type: single nucleotide variant.
Coding change: c.791G>A on transcript NM_001244008.2 (MANE Select); coding-DNA position 791, G replaced by A.
Protein change: p.Arg264His; replaces arginine 264 with histidine.
Molecular consequence: missense variant.
Genome position (GRCh38, 1-based): chr2:240,783,746, C>T on the plus strand (G>A on the coding strand, the complement: KIF1A is on the minus strand). VCF-style: chr2-240783746-C-T. GRCh37 (hg19) VCF-style: chr2-241723163-C-T.
Other names: c.791G>A, p.Arg264His (NM_001320705.2, NM_001330289.2, NM_001330290.2 and 20 more transcripts); short protein forms R264H.
Identifiers: ClinVar variation 1465688 (VCV001465688.8), dbSNP rs1413440372, ClinGen allele CA351302879.

ClinVar aggregate classification (germline): Uncertain significance (1 of 4 stars; one submission).

Conditions:
Hereditary spastic paraplegia 30. Identifiers: Orphanet 101010, MedGen C5235139, MONDO:0012476.
Neuropathy, hereditary sensory, type 2C. Also called: KIF1A-Related HSAN2 (HSAN2C); Hereditary sensory and autonomic neuropathy type IIC. Identifiers: Orphanet 970, MedGen C3280168, MONDO:0013634, OMIM 614213.
Intellectual disability, autosomal dominant 9 (NESCAVS). Also called: KIF1A-Related Neurodevelopmental Disorder; NESCAV SYNDROME. Identifiers: Orphanet 662367, MedGen C5393830, MONDO:0013656, OMIM 614255.

Submission:

Labcorp Genetics (formerly Invitae), Labcorp
Classification: Uncertain significance for Hereditary spastic paraplegia 30; Neuropathy, hereditary sensory, type 2C; Intellectual disability, autosomal dominant 9. Last evaluated: 2024-06-03. Review status: criteria provided, single submitter. Criteria: Invitae Variant Classification Sherloc (09022015). Collection method: clinical testing. Allele origin: germline.
Comment: This sequence change replaces arginine, which is basic and polar, with histidine, which is basic and polar, at codon 264 of the KIF1A protein (p.Arg264His). This variant is not present in population databases (gnomAD no frequency). This variant has not been reported in the literature in individuals affected with KIF1A-related conditions. ClinVar contains an entry for this variant (Variation ID: 1465688). Advanced modeling of protein sequence and biophysical properties (such as structural, functional, and spatial information, amino acid conservation, physicochemical variation, residue mobility, and thermodynamic stability) performed at Invitae indicates that this missense variant is expected to disrupt KIF1A protein function with a positive predictive value of 95%. In summary, the available evidence is currently insufficient to determine the role of this variant in disease. Therefore, it has been classified as a Variant of Uncertain Significance.